The following is an entry in ClinVar:

NM_001371986.1(UNC80):c.831T>C (p.Ser277=)

Gene: UNC80 (unc-80 subunit of NALCN channel complex; plus strand). Cytogenetic location: 2q34.
Variant type: single nucleotide variant.
Coding change: c.831T>C on transcript NM_001371986.1 (MANE Select); coding-DNA position 831, T replaced by C.
Protein change: p.Ser277=; no amino-acid change (serine 277 retained).
Molecular consequence: synonymous variant.
Genome position (GRCh38, 1-based): chr2:209,793,752, T>C. VCF-style: chr2-209793752-T-C. GRCh37 (hg19) VCF-style: chr2-210658476-T-C.
Other names: c.831T>C, p.Ser277= (NM_032504.2, NM_182587.4).
Identifiers: ClinVar variation 1670549 (VCV001670549.32), dbSNP rs1198134364, ClinGen allele CA430986769.
Genomic context (GRCh38, chr2:209,793,752, plus strand): 5'-CCTAATCTGCTATCTCTGCCTCCAAAAGGGACTCCAGGTGGTTTGTGAAACATTCCAGTC[T>C]GATTCCATCTCACCCAAGGCCACCATTTCAGGCTGTCACCGAGGAAACTCCTTTGATGGA-3'
Protein context (NP_001358915.1, residues 267-287): GLQVVCETFQ[Ser277=]DSISPKATIS

ClinVar aggregate classification (germline): Likely benign. Review status: criteria provided, multiple submitters, no conflicts (2 of 4 stars). 2 submissions from 2 submitters: Likely benign (2). Last evaluated 2026-01-07.

Allele frequency attached by ClinVar (database versions not stated): TOPMed below 0.00001; gnomAD exomes 0.00001.
gnomAD v4.1: 3 of 1,614,184 alleles (0.00019%); highest among the groups gnomAD compares: Middle Eastern, 0.016%; no homozygotes.

Submissions (2):

Labcorp Genetics (formerly Invitae), Labcorp
Classification: Likely benign. Last evaluated: 2026-01-07. Review status: criteria provided, single submitter. Criteria: Invitae Variant Classification Sherloc (09022015). Collection method: clinical testing. Allele origin: germline.

CeGaT Center for Human Genetics Tuebingen
Classification: Likely benign. Last evaluated: 2023-04-01. Review status: criteria provided, single submitter. Criteria: CeGaT Center For Human Genetics Tuebingen Variant Classification Criteria Version 2. Collection method: clinical testing. Allele origin: germline. Affected: yes. Observed: 1 variant allele.
Comment: UNC80: BP4, BP7